The following is an entry in ClinVar:

NM_006947.4(SRP72):c.1027A>G (p.Ile343Val)

Gene: SRP72 (signal recognition particle 72; plus strand). Cytogenetic location: 4q12.
Variant type: single nucleotide variant.
Coding change: c.1027A>G on transcript NM_006947.4 (MANE Select); coding-DNA position 1027, A replaced by G.
Protein change: p.Ile343Val; replaces isoleucine 343 with valine.
Molecular consequence: missense variant. On other transcripts: non-coding transcript variant (1).
Genome position (GRCh38, 1-based): chr4:56,484,805, A>G. VCF-style: chr4-56484805-A-G. GRCh37 (hg19) VCF-style: chr4-57350971-A-G.
Other names: c.844A>G, p.Ile282Val (NM_001267722.2); short protein forms I282V, I343V.
Identifiers: ClinVar variation 3801485 (VCV003801485.1).
Genomic context (GRCh38, chr4:56,484,805, plus strand): 5'-TGCCGCAAAATATCTGCCAGTTTACAGTCCCAAAGTCCCGAGCATCTCTTACCTGTGTTA[A>G]TCCAAGCTGCCCAGCTCTGCCGTGAAAAGCAGCACACAAAAGCAATAGAGCTGCTTCAGG-3'
Protein context (NP_008878.3, residues 333-353): QSPEHLLPVL[Ile343Val]QAAQLCREKQ

ClinVar aggregate classification (germline): Uncertain significance (1 of 4 stars; one submission).

gnomAD v4.1: 2 of 1,614,042 alleles (0.00012%); highest among the groups gnomAD compares: African/African-American, 0.0027%; no homozygotes.

Submission:

Ambry Genetics
Classification: Uncertain significance. Last evaluated: 2025-02-11. Review status: criteria provided, single submitter. Criteria: Ambry Variant Classification Scheme 2023. Collection method: clinical testing. Allele origin: germline.
Comment: The p.I343V variant (also known as c.1027A>G), located in coding exon 10 of the SRP72 gene, results from an A to G substitution at nucleotide position 1027. The isoleucine at codon 343 is replaced by valine, an amino acid with highly similar properties. This amino acid position is conserved. In addition, this alteration is predicted to be tolerated by in silico analysis. Based on the available evidence, the clinical significance of this variant remains unclear.